The following is an entry in ClinVar:

ClinVar aggregate classification (germline): Uncertain significance (1 of 4 stars; one submission).

Conditions:
Hereditary cancer-predisposing syndrome. Also called: Hereditary Cancer Syndrome; Neoplastic Syndromes, Hereditary; Tumor predisposition; Hereditary neoplastic syndrome. Identifiers: Orphanet 140162, MedGen C0027672, MeSH D009386, MONDO:0015356.

Submission:

Ambry Genetics
Classification: Uncertain significance for Hereditary cancer-predisposing syndrome. Last evaluated: 2022-10-12. Review status: criteria provided, single submitter. Criteria: Ambry Variant Classification Scheme 2023. Collection method: clinical testing. Allele origin: germline.
Comment: The p.H1611Q variant (also known as c.4833C>G), located in coding exon 36 of the TSC2 gene, results from a C to G substitution at nucleotide position 4833. The histidine at codon 1611 is replaced by glutamine, an amino acid with highly similar properties. This amino acid position is conserved. In addition, the in silico prediction for this alteration is inconclusive. Since supporting evidence is limited at this time, the clinical significance of this alteration remains unclear.

NM_000548.5(TSC2):c.4833C>G (p.His1611Gln)

Gene: TSC2 (TSC complex subunit 2; plus strand). Cytogenetic location: 16p13.3.
Variant type: single nucleotide variant.
Coding change: c.4833C>G on transcript NM_000548.5 (MANE Select); coding-DNA position 4833, C replaced by G.
Protein change: p.His1611Gln; replaces histidine 1611 with glutamine.
Molecular consequence: missense variant.
Genome position (GRCh38, 1-based): chr16:2,086,363, C>G. VCF-style: chr16-2086363-C-G. GRCh37 (hg19) VCF-style: chr16-2136364-C-G.
Other names: c.4632C>G, p.His1544Gln (NM_001077183.3); c.4764C>G, p.His1588Gln (NM_001114382.3); c.4524C>G, p.His1508Gln (NM_001318827.2); c.4488C>G, p.His1496Gln (NM_001318829.2); c.4101C>G, p.His1367Gln (NM_001318831.2); c.4665C>G, p.His1555Gln (NM_001318832.2); c.4635C>G, p.His1545Gln (NM_001363528.2); c.4701C>G, p.His1567Gln (NM_001370404.1); and 26 more; short protein forms H1574Q, H1611Q, H1140Q, H1345Q, H1367Q, H1387Q, H1496Q, H1539Q.
Identifiers: ClinVar variation 1743447 (VCV001743447.2), dbSNP rs765271161, ClinGen allele CA394308124.